The following is an entry in ClinVar:

NM_000158.4(GBE1):c.45G>A (p.Glu15=)

Gene: GBE1 (1,4-alpha-glucan branching enzyme 1; minus strand). Cytogenetic location: 3p12.2.
Variant type: single nucleotide variant.
Coding change: c.45G>A on transcript NM_000158.4 (MANE Select); coding-DNA position 45, G replaced by A.
Protein change: p.Glu15=; no amino-acid change (glutamic acid 15 retained).
Molecular consequence: synonymous variant.
Genome position (GRCh38, 1-based): chr3:81,761,473, C>T on the plus strand (G>A on the coding strand, the complement: GBE1 is on the minus strand). VCF-style: chr3-81761473-C-T. GRCh37 (hg19) VCF-style: chr3-81810624-C-T.
Identifiers: ClinVar variation 515221 (VCV000515221.42), dbSNP rs370326965, ClinGen allele CA2500107.

ClinVar aggregate classification (germline): Conflicting classifications of pathogenicity. Review status: criteria provided, conflicting classifications (1 of 4 stars). 7 submissions from 6 submitters: Uncertain significance (2); Likely benign (5). Last evaluated 2026-01-20.

Conditions:
Glycogen storage disease, type IV (GSD4). Also called: Glycogen storage disease due to glycogen branching enzyme deficiency; AMYLOPECTINOSIS; ANDERSEN DISEASE; BRANCHER DEFICIENCY; CIRRHOSIS, FAMILIAL, WITH DEPOSITION OF ABNORMAL GLYCOGEN; GBE1 DEFICIENCY. Identifiers: Orphanet 367, MedGen C0017923, MONDO:0009292, OMIM 232500.
Glycogen storage disease IV, classic hepatic. Also called: GSD IV, CLASSIC HEPATIC. Identifiers: MedGen C1856301.
Adult polyglucosan body disease (APBN). Also called: POLYGLUCOSAN BODY DISEASE, ADULT FORM; GBE1-Adult Polyglucosan Body Disease. Identifiers: Orphanet 206583, MedGen C1849722, MONDO:0009897, OMIM 263570.

Allele frequency attached by ClinVar (database versions not stated): ESP Exome Variant Server 0.00008; gnomAD 0.00014 and 0.00017; TOPMed 0.00016; 1000 Genomes Project 0.00020; 1000 Genomes Project 30x 0.00031.
gnomAD v4.1: 158 of 1,613,058 alleles (0.0098%); highest among the groups gnomAD compares: African/African-American, 0.055%; no homozygotes.

Submissions (7):

Labcorp Genetics (formerly Invitae), Labcorp
Classification: Likely benign for Glycogen storage disease, type IV; Glycogen storage disease IV, classic hepatic. Last evaluated: 2026-01-20. Review status: criteria provided, single submitter. Criteria: Invitae Variant Classification Sherloc (09022015). Collection method: clinical testing. Allele origin: germline.

Blueprint Genetics
Classification: Likely benign. Last evaluated: 2024-08-23. Review status: criteria provided, single submitter. Criteria: ACMG Guidelines, 2015. Collection method: clinical testing. Allele origin: germline.

CeGaT Center for Human Genetics Tuebingen
Classification: Likely benign. Last evaluated: 2024-03-01. Review status: criteria provided, single submitter. Criteria: CeGaT Center For Human Genetics Tuebingen Variant Classification Criteria Version 2. Collection method: clinical testing. Allele origin: germline. Affected: yes. Observed: 2 variant alleles.
Comment: GBE1: BP4, BP7

Pars Genome Lab
Classification: Likely benign for Glycogen storage disease, type IV. Last evaluated: 2021-05-18. Review status: criteria provided, single submitter. Criteria: ACMG Guidelines, 2015. Collection method: clinical testing. Allele origin: germline. Affected: no.

GeneDx
Classification: Likely benign. Last evaluated: 2018-02-16. Review status: criteria provided, single submitter. Criteria: GeneDx Variant Classification (06012015). Collection method: clinical testing. Allele origin: germline. Affected: yes.
Comment: This variant is considered likely benign or benign based on one or more of the following criteria: it is a conservative change, it occurs at a poorly conserved position in the protein, it is predicted to be benign by multiple in silico algorithms, and/or has population frequency not consistent with disease.

Illumina Laboratory Services, Illumina
Classification: Uncertain significance for Adult polyglucosan body disease. Last evaluated: 2017-04-27. Review status: criteria provided, single submitter. Criteria: ICSL Variant Classification Criteria 13 December 2019. Collection method: clinical testing. Allele origin: germline.

Illumina Laboratory Services, Illumina
Classification: Uncertain significance for Glycogen storage disease, type IV. Last evaluated: 2017-04-27. Review status: criteria provided, single submitter. Criteria: ICSL Variant Classification Criteria 13 December 2019. Collection method: clinical testing. Allele origin: germline.